The following is an entry in ClinVar:

ClinVar aggregate classification (germline): Uncertain significance. Review status: criteria provided, single submitter (1 of 4 stars). 2 submissions from 2 submitters: Uncertain significance (1). 1 of the submissions does not count toward it. Last evaluated 2018-08-18.

Conditions:
Nemaline myopathy 2 (NEM2). Also called: Nemaline myopathy 2, autosomal recessive. Identifiers: MedGen C1850569, MONDO:0009725, OMIM 256030.

Allele frequency attached by ClinVar (database versions not stated): gnomAD exomes below 0.00001.
gnomAD v4.1: 1 of 1,613,510 alleles (0.000062%); highest among the groups gnomAD compares: African/African-American, 0.0013%; no homozygotes.

Submissions (2):

Labcorp Genetics (formerly Invitae), Labcorp
Classification: Uncertain significance for Nemaline myopathy 2. Last evaluated: 2018-08-18. Review status: criteria provided, single submitter. Criteria: Invitae Variant Classification Sherloc (09022015). Collection method: clinical testing. Allele origin: germline.
Comment: This variant is not present in population databases (ExAC no frequency). This sequence change replaces glycine with arginine at codon 2321 of the NEB protein (p.Gly2321Arg). The glycine residue is moderately conserved and there is a moderate physicochemical difference between glycine and arginine. This variant has not been reported in the literature in individuals with NEB-related disease. In summary, the available evidence is currently insufficient to determine the role of this variant in disease. Therefore, it has been classified as a Variant of Uncertain Significance. Algorithms developed to predict the effect of sequence changes on RNA splicing suggest that this variant may create or strengthen a splice site, but this prediction has not been confirmed by published transcriptional studies. Algorithms developed to predict the effect of missense changes on protein structure and function are either unavailable or do not agree on the potential impact of this missense change (SIFT: "Deleterious"; PolyPhen-2: "Not Available"; Align-GVGD: "Class C0").

Natera, Inc.
Classification: Uncertain significance for Nemaline myopathy type 2. Last evaluated: 2021-04-09. Review status: no assertion criteria provided. Collection method: clinical testing. Allele origin: germline. Not counted in ClinVar's aggregate classification.

NM_001164508.2(NEB):c.6961G>A (p.Gly2321Arg)

Gene: NEB (nebulin; minus strand). Cytogenetic location: 2q23.3.
Variant type: single nucleotide variant.
Coding change: c.6961G>A on transcript NM_001164508.2 (MANE Select); coding-DNA position 6961, G replaced by A.
Protein change: p.Gly2321Arg; replaces glycine 2321 with arginine.
Molecular consequence: missense variant.
Genome position (GRCh38, 1-based): chr2:151,650,840, C>T on the plus strand (G>A on the coding strand, the complement: NEB is on the minus strand). VCF-style: chr2-151650840-C-T. GRCh37 (hg19) VCF-style: chr2-152507354-C-T.
Other names: c.6961G>A, p.Gly2321Arg (NM_001164507.2, NM_001271208.2, NM_004543.5); short protein forms G2321R.
Identifiers: ClinVar variation 642618 (VCV000642618.12), dbSNP rs1575132924, ClinGen allele CA348791136.